The following is an entry in ClinVar:

ClinVar aggregate classification (germline): Uncertain significance. Review status: criteria provided, multiple submitters, no conflicts (2 of 4 stars). 2 submissions from 2 submitters: Uncertain significance (2). Last evaluated 2025-01-06.

Conditions:
Hereditary cancer-predisposing syndrome. Also called: Hereditary Cancer Syndrome; Neoplastic Syndromes, Hereditary; Hereditary neoplastic syndrome; Tumor predisposition. Identifiers: Orphanet 140162, MedGen C0027672, MeSH D009386, MONDO:0015356.
Tuberous sclerosis 2 (TSC2). Identifiers: Orphanet 805, MedGen C1860707, MONDO:0013199, OMIM 613254.

Submissions (2):

Labcorp Genetics (formerly Invitae), Labcorp
Classification: Uncertain significance for Tuberous sclerosis 2. Last evaluated: 2025-01-06. Review status: criteria provided, single submitter. Criteria: Invitae Variant Classification Sherloc (09022015). Collection method: clinical testing. Allele origin: germline.
Comment: This sequence change replaces phenylalanine, which is neutral and non-polar, with leucine, which is neutral and non-polar, at codon 73 of the TSC2 protein (p.Phe73Leu). This variant is not present in population databases (gnomAD no frequency). This variant has not been reported in the literature in individuals affected with TSC2-related conditions. ClinVar contains an entry for this variant (Variation ID: 820853). Invitae Evidence Modeling of protein sequence and biophysical properties (such as structural, functional, and spatial information, amino acid conservation, physicochemical variation, residue mobility, and thermodynamic stability) indicates that this missense variant is not expected to disrupt TSC2 protein function with a negative predictive value of 95%. In summary, the available evidence is currently insufficient to determine the role of this variant in disease. Therefore, it has been classified as a Variant of Uncertain Significance.

Ambry Genetics
Classification: Uncertain significance for Hereditary cancer-predisposing syndrome. Last evaluated: 2019-04-24. Review status: criteria provided, single submitter. Criteria: Ambry Variant Classification Scheme 2023. Collection method: clinical testing. Allele origin: germline.
Comment: The p.F73L variant (also known as c.217T>C), located in coding exon 2 of the TSC2 gene, results from a T to C substitution at nucleotide position 217. The phenylalanine at codon 73 is replaced by leucine, an amino acid with highly similar properties. This amino acid position is well conserved in available vertebrate species. In addition, this alteration is predicted to be tolerated by in silico analysis. Since supporting evidence is limited at this time, the clinical significance of this alteration remains unclear.

NM_000548.5(TSC2):c.217T>C (p.Phe73Leu)

Gene: TSC2 (TSC complex subunit 2; plus strand). Cytogenetic location: 16p13.3.
Variant type: single nucleotide variant.
Coding change: c.217T>C on transcript NM_000548.5 (MANE Select); coding-DNA position 217, T replaced by C.
Protein change: p.Phe73Leu; replaces phenylalanine 73 with leucine.
Molecular consequence: missense variant. On other transcripts: 5 prime UTR variant (1).
Genome position (GRCh38, 1-based): chr16:2,050,478, T>C. VCF-style: chr16-2050478-T-C. GRCh37 (hg19) VCF-style: chr16-2100479-T-C.
Other names: c.217T>C, p.Phe73Leu (NM_001077183.3, NM_001114382.3, NM_001318827.2 and 4 more transcripts); c.70T>C, p.Phe24Leu (NM_001318829.2); c.-10T>C (NM_001318831.2); c.250T>C, p.Phe84Leu (NM_001318832.2); short protein forms F84L, F73L, F24L.
Identifiers: ClinVar variation 820853 (VCV000820853.9), dbSNP rs1596245977, ClinGen allele CA394303599.